The following is an entry in ClinVar:

NM_000260.4(MYO7A):c.5953C>T (p.Pro1985Ser)

Gene: MYO7A (myosin VIIA; plus strand). Cytogenetic location: 11q13.5.
Variant type: single nucleotide variant.
Coding change: c.5953C>T on transcript NM_000260.4 (MANE Select); coding-DNA position 5953, C replaced by T.
Protein change: p.Pro1985Ser; replaces proline 1985 with serine.
Molecular consequence: missense variant.
Genome position (GRCh38, 1-based): chr11:77,208,705, C>T. VCF-style: chr11-77208705-C-T. GRCh37 (hg19) VCF-style: chr11-76919750-C-T.
Other names: c.5839C>T, p.Pro1947Ser (NM_001127180.2); c.5806C>T, p.Pro1936Ser (NM_001369365.1); short protein forms P1936S, P1947S, P1985S.
Identifiers: ClinVar variation 3602317 (VCV003602317.1).

ClinVar aggregate classification (germline): Uncertain significance (1 of 4 stars; one submission).

Submission:

GeneDx
Classification: Uncertain significance. Last evaluated: 2024-07-25. Review status: criteria provided, single submitter. Criteria: GeneDx Variant Classification Process June 2021. Collection method: clinical testing. Allele origin: germline. Affected: yes.
Comment: Not observed at significant frequency in large population cohorts (gnomAD); In silico analysis supports that this missense variant has a deleterious effect on protein structure/function; Has not been previously published as pathogenic or benign to our knowledge